The following is an entry in ClinVar:

ClinVar aggregate classification (germline): Likely benign (0 of 4 stars; one submission).

Conditions:
MTAP-related disorder. Also called: MTAP-related condition.

Allele frequency attached by ClinVar (database versions not stated): gnomAD exomes 0.00007; ExAC 0.00020; 1000 Genomes Project 30x 0.00031; ESP Exome Variant Server 0.00038; 1000 Genomes Project 0.00040; gnomAD 0.00066; TOPMed 0.00068.
gnomAD v4.1: 203 of 1,614,150 alleles (0.013%); highest among the groups gnomAD compares: African/African-American, 0.19%; 1 homozygote.

Submission:

PreventionGenetics, part of Exact Sciences
Classification: Likely benign for MTAP-related condition. Last evaluated: 2019-11-11. Review status: no assertion criteria provided. Collection method: clinical testing. Allele origin: germline.
Comment: This variant is classified as likely benign based on ACMG/AMP sequence variant interpretation guidelines (Richards et al. 2015 PMID: 25741868, with internal and published modifications).

NM_002451.4(MTAP):c.560G>A (p.Arg187His)

Gene: MTAP (methylthioadenosine phosphorylase; plus strand). Cytogenetic location: 9p21.3.
Variant type: single nucleotide variant.
Coding change: c.560G>A on transcript NM_002451.4 (MANE Select); coding-DNA position 560, G replaced by A.
Protein change: p.Arg187His; replaces arginine 187 with histidine.
Molecular consequence: missense variant. On other transcripts: non-coding transcript variant (1).
Genome position (GRCh38, 1-based): chr9:21,854,740, G>A. VCF-style: chr9-21854740-G-A. GRCh37 (hg19) VCF-style: chr9-21854739-G-A.
Other names: c.611G>A, p.Arg204His (NM_001396040.1); c.560G>A, p.Arg187His (NM_001396041.1, NM_001396042.1, NM_001396043.1 and 2 more transcripts); short protein forms R187H, R204H.
Identifiers: ClinVar variation 3053866 (VCV003053866.2), dbSNP rs147028761, ClinGen allele CA5011901.